The following is an entry in ClinVar:

NM_000352.6(ABCC8):c.436G>A (p.Ala146Thr)

Gene: ABCC8 (ATP binding cassette subfamily C member 8; minus strand). Cytogenetic location: 11p15.1.
Variant type: single nucleotide variant.
Coding change: c.436G>A on transcript NM_000352.6 (MANE Select); coding-DNA position 436, G replaced by A.
Protein change: p.Ala146Thr; replaces alanine 146 with threonine.
Molecular consequence: missense variant. On other transcripts: non-coding transcript variant (1).
Genome position (GRCh38, 1-based): chr11:17,463,581, C>T on the plus strand (G>A on the coding strand, the complement: ABCC8 is on the minus strand). VCF-style: chr11-17463581-C-T. GRCh37 (hg19) VCF-style: chr11-17485128-C-T.
Other names: c.436G>A (NM_000352.4); c.436G>A, p.Ala146Thr (NM_001287174.3, NM_001351295.2, NM_001351296.2 and 1 more transcripts); short protein forms A146T.
Identifiers: ClinVar variation 4910758 (VCV004910758.2).

ClinVar aggregate classification (germline): Uncertain significance. Review status: criteria provided, multiple submitters, no conflicts (2 of 4 stars). 3 submissions from 3 submitters: Uncertain significance (3). Last evaluated 2026-03-12.

Conditions:
ABCC8-related disorder.
Hyperinsulinemic hypoglycemia, familial, 1 (HHF1). Also called: Persistent hyperinsulinemic hypoglycemia of infancy; HYPERINSULINISM, FAMILIAL, WITH PANCREATIC NESIDIOBLASTOSIS; HYPOGLYCEMIA, HYPERINSULINEMIC, OF INFANCY; NESIDIOBLASTOSIS OF PANCREAS; Persistent Hyperinsulinemia Hypoglycemia of Infancy. Identifiers: Orphanet 276575, Orphanet 276598, MedGen C2931832, MONDO:0009734, OMIM 256450.

gnomAD v4.1: 1 of 1,587,112 alleles (0.000063%); highest among the groups gnomAD compares: Non-Finnish European, 0.000086%; no homozygotes.

Submissions (3):

Myriad Genetics, Inc.
Classification: Uncertain significance for Hyperinsulinemic hypoglycemia, familial, 1. Last evaluated: 2026-03-12. Review status: criteria provided, single submitter. Criteria: Myriad Autosomal Dominant, Autosomal Recessive and X-Linked Classification Criteria (2023). Collection method: clinical testing. Allele origin: unknown.
Comment: NM_000352.3(ABCC8):c.436G>A(A146T) is a missense variant classified as a variant of uncertain significance in the context of familial hyperinsulinism, ABCC8-related. A146T has not been observed in cases with relevant disease. Relevant functional assessments of this variant are not available in the literature. A146T has not been observed in referenced population frequency databases. In summary, there is insufficient evidence to classify NM_000352.3(ABCC8):c.436G>A(A146T) as pathogenic or benign. Please note: this variant was assessed in the context of healthy population screening.

PreventionGenetics, part of Exact Sciences
Classification: Uncertain significance for ABCC8-related condition. Last evaluated: 2024-10-09. Review status: criteria provided, single submitter. Criteria: ACMG Guidelines, 2015. Collection method: clinical testing. Allele origin: germline.
Comment: The ABCC8 c.436G>A variant is predicted to result in the amino acid substitution p.Ala146Thr. This variant has been reported in an individual with permanent neonatal diabetes mellitus (Supp. Table 4, Dron et al. 2020. PubMed ID: 32041611). This variant is not present in a large population database (gnomAD), indicating that the variant is rare. At this time, the clinical significance of this variant is uncertain due to the absence of conclusive functional and genetic evidence.

Blueprint Genetics
Classification: Uncertain significance. Last evaluated: 2022-06-27. Review status: criteria provided, single submitter. Criteria: ACMG Guidelines, 2015. Collection method: clinical testing. Allele origin: germline.